The following is an entry in ClinVar:

ClinVar aggregate classification (germline): Likely pathogenic (1 of 4 stars; one submission).

Submission:

Labcorp Genetics (formerly Invitae), Labcorp
Classification: Likely pathogenic. Last evaluated: 2025-06-12. Review status: criteria provided, single submitter. Criteria: Invitae Variant Classification Sherloc (09022015). Collection method: clinical testing. Allele origin: germline.
Comment: This sequence change replaces glycine, which is neutral and non-polar, with aspartic acid, which is acidic and polar, at codon 1238 of the COL4A5 protein (p.Gly1238Asp). This variant is not present in population databases (gnomAD no frequency). This missense change has been observed in individual(s) with COL4A5-related conditions (Inviitae). ClinVar contains an entry for this variant (Variation ID: 2832913). This variant disrupts the triple helix domain of COL4A5. Glycine residues within the Gly-Xaa-Yaa repeats of the triple helix domain are required for the structure and stability of fibrillar collagens (PMID: 7695699, 8218237, 19344236). In COL4A5, missense variants at these glycine residues are significantly enriched in individuals with disease (PMID: 23720012, 27627812) compared to the general population (ExAC). This variant disrupts the triple helix domain of COL4A5. Glycine residues within the Gly-Xaa-Yaa repeats of the triple helix domain are required for the structure and stability of fibrillar collagens (PMID: 7695699, 8218237, 19344236). In COL4A5, missense variants at these glycine residues are significantly enriched in individuals with disease (PMID: 23720012, 27627812) compared to the general population (ExAC). This variant disrupts the p.Gly1238 amino acid residue in COL4A5. Other variant(s) that disrupt this residue have been observed in individuals with COL4A5-related conditions (internal data), which suggests that this may be a clinically significant amino acid residue. In summary, the currently available evidence indicates that the variant is pathogenic, but additional data are needed to prove that conclusively. Therefore, this variant has been classified as Likely Pathogenic.

Literature cited by the submitters: PubMed 7695699; PubMed 8218237; PubMed 19344236; PubMed 23720012; PubMed 27627812.

NM_033380.3(COL4A5):c.3713G>A (p.Gly1238Asp)

Gene: COL4A5 (collagen type IV alpha 5 chain; plus strand). Cytogenetic location: Xq22.3.
Variant type: single nucleotide variant.
Coding change: c.3713G>A on transcript NM_033380.3 (MANE Select); coding-DNA position 3713, G replaced by A.
Protein change: p.Gly1238Asp; replaces glycine 1238 with aspartic acid.
Molecular consequence: missense variant.
Genome position (GRCh38, 1-based): chrX:108,668,427, G>A. VCF-style: chrX-108668427-G-A. GRCh37 (hg19) VCF-style: chrX-107911657-G-A.
Other names: c.3713G>A, p.Gly1238Asp (NM_000495.5); short protein forms G1238D.
Identifiers: ClinVar variation 2832913 (VCV002832913.3), dbSNP rs2524575520, ClinGen allele CA413848893.